The following is an entry in ClinVar:

ClinVar aggregate classification (germline): Uncertain significance. Review status: criteria provided, multiple submitters, no conflicts (2 of 4 stars). 2 submissions from 2 submitters: Uncertain significance (2). Last evaluated 2025-06-18.

Allele frequency attached by ClinVar (database versions not stated): gnomAD 0.00001; TOPMed 0.00002.
gnomAD v4.1: 1 of 1,586,994 alleles (0.000063%); highest among the groups gnomAD compares: African/African-American, 0.0014%; no homozygotes.

Submissions (2):

Ambry Genetics
Classification: Uncertain significance. Last evaluated: 2025-06-18. Review status: criteria provided, single submitter. Criteria: Ambry Variant Classification Scheme 2023. Collection method: clinical testing. Allele origin: germline.

Labcorp Genetics (formerly Invitae), Labcorp
Classification: Uncertain significance. Last evaluated: 2023-04-19. Review status: criteria provided, single submitter. Criteria: Invitae Variant Classification Sherloc (09022015). Collection method: clinical testing. Allele origin: germline.
Comment: In summary, the available evidence is currently insufficient to determine the role of this variant in disease. Therefore, it has been classified as a Variant of Uncertain Significance. An algorithm developed to predict the effect of missense changes on protein structure and function (PolyPhen-2) suggests that this variant is likely to be tolerated. ClinVar contains an entry for this variant (Variation ID: 1800140). This variant has not been reported in the literature in individuals affected with ABRAXAS1-related conditions. This variant is present in population databases (no rsID available, gnomAD 0.01%). This sequence change replaces glutamic acid, which is acidic and polar, with alanine, which is neutral and non-polar, at codon 2 of the ABRAXAS1 protein (p.Glu2Ala).

NM_139076.3(ABRAXAS1):c.5A>C (p.Glu2Ala)

Genes: ABRAXAS1 (abraxas 1, BRCA1 A complex subunit; minus strand), LOC129992784 (ATAC-STARR-seq lymphoblastoid silent region 15542; plus strand). Cytogenetic location: 4q21.23.
Variant type: single nucleotide variant.
Coding change: c.5A>C on transcript NM_139076.3 (MANE Select); coding-DNA position 5, A replaced by C.
Protein change: p.Glu2Ala; replaces glutamic acid 2 with alanine.
Molecular consequence: missense variant. On other transcripts: 5 prime UTR variant (1).
Genome position (GRCh38, 1-based): chr4:83,485,068, T>G on the plus strand (A>C on the coding strand, the complement: ABRAXAS1 is on the minus strand). VCF-style: chr4-83485068-T-G. GRCh37 (hg19) VCF-style: chr4-84406221-T-G.
Other names: c.-256A>C (NM_001345962.2); short protein forms E2A.
Identifiers: ClinVar variation 1800140 (VCV001800140.9), dbSNP rs1027841598, ClinGen allele CA357264129.
Genomic context (GRCh38, chr4:83,485,068, plus strand): 5'-TGCTGGAAAGCGAGTGCGCCGAGCACAAAGCCCGAGAGCACCGCCGACGTACTCTCCCCC[T>G]CCATGCTACCGCCGCCTCAGGCTACACAAGAGGACGAGGGCGGGGCGCGCGGAGGCAAGA-3'
Protein context (NP_620775.2, residues 1-12): M[Glu2Ala]GESTSAVLSG